The following is an entry in ClinVar:

NM_015662.3(IFT172):c.3765C>T (p.Ser1255=)

Genes: IFT172 (intraflagellar transport 172; minus strand), LOC126806173 (BRD4-independent group 4 enhancer GRCh37_chr2:27676057-27677256; plus strand). Cytogenetic location: 2p23.3.
Variant type: single nucleotide variant.
Coding change: c.3765C>T on transcript NM_015662.3 (MANE Select); coding-DNA position 3765, C replaced by T.
Protein change: p.Ser1255=; no amino-acid change (serine 1255 retained).
Molecular consequence: synonymous variant.
Genome position (GRCh38, 1-based): chr2:27,453,686, G>A on the plus strand (C>T on the coding strand, the complement: IFT172 is on the minus strand). VCF-style: chr2-27453686-G-A. GRCh37 (hg19) VCF-style: chr2-27676553-G-A.
Other names: c.3699C>T, p.Ser1233= (NM_001410739.1).
Identifiers: ClinVar variation 3357072 (VCV003357072.1).
Genomic context (GRCh38, chr2:27,453,686, plus strand): 5'-ATACCTGGCCCCCTTCTTAGTAGCTTCCCGCTCATATTCTTCCTGCAGAGCCTCCAGCTG[G>A]CTGGGCACATAGTCCTTGCAGATGCGCAGAGCGTCACTCCATAATCCAGCCTCCTGCTCA-3'
Protein context (NP_056477.1, residues 1245-1265): ALRICKDYVP[Ser1255=]QLEALQEEYE

ClinVar aggregate classification (germline): Likely benign (0 of 4 stars; one submission).

Conditions:
IFT172-related disorder. Also called: IFT172-related disorders; IFT172-related condition.

gnomAD v4.1: 3 of 1,612,132 alleles (0.00019%); highest among the groups gnomAD compares: African/African-American, 0.0027%; no homozygotes.

Submission:

PreventionGenetics, part of Exact Sciences
Classification: Likely benign for IFT172-related condition. Last evaluated: 2021-06-01. Review status: no assertion criteria provided. Collection method: clinical testing. Allele origin: germline.
Comment: This variant is classified as likely benign based on ACMG/AMP sequence variant interpretation guidelines (Richards et al. 2015 PMID: 25741868, with internal and published modifications).